The following is an entry in ClinVar:

NM_001111067.4(ACVR1):c.*791A>T

Gene: ACVR1 (activin A receptor type 1; minus strand). Cytogenetic location: 2q24.1.
Variant type: single nucleotide variant.
Coding change: c.*791A>T on transcript NM_001111067.4 (MANE Select); 791 bases downstream of the stop codon, A replaced by T.
Molecular consequence: 3 prime UTR variant.
Genome position (GRCh38, 1-based): chr2:157,736,740, T>A on the plus strand (A>T on the coding strand, the complement: ACVR1 is on the minus strand). VCF-style: chr2-157736740-T-A. GRCh37 (hg19) VCF-style: chr2-158593252-T-A.
Other names: c.*791A>T (NM_001105.5, NM_001347663.1, NM_001347664.1 and 3 more transcripts).
Identifiers: ClinVar variation 331673 (VCV000331673.5), dbSNP rs74392193, ClinGen allele CA10611064.

ClinVar aggregate classification (germline): Benign (1 of 4 stars; one submission).

Conditions:
Progressive myositis ossificans (FOP). Also called: Myositis ossificans progressiva; Progressive ossifying myositis; Fibrodysplasia Ossificans Progressiva. Identifiers: Orphanet 337, MedGen C0016037, MONDO:0007606, OMIM 135100.

Allele frequency attached by ClinVar (database versions not stated): gnomAD exomes 0.00239; gnomAD 0.01861 and 0.01967; TOPMed 0.02005; 1000 Genomes Project 0.02616; 1000 Genomes Project 30x 0.02701.
gnomAD v4.1: 3,338 of 343,062 alleles (0.97%); highest among the groups gnomAD compares: African/African-American, 5.9%; 87 homozygotes.

Submission:

Illumina Laboratory Services, Illumina
Classification: Benign for Progressive myositis ossificans. Last evaluated: 2018-01-13. Review status: criteria provided, single submitter. Criteria: ICSL Variant Classification Criteria 13 December 2019. Collection method: clinical testing. Allele origin: germline.
Comment: This variant was observed in the ICSL laboratory as part of a predisposition screen in an ostensibly healthy population. It had not been previously curated by ICSL or reported in the Human Gene Mutation Database (HGMD: prior to June 1st, 2018), and was therefore a candidate for classification through an automated scoring system. Utilizing variant allele frequency, disease prevalence and penetrance estimates, and inheritance mode, an automated score was calculated to assess if this variant is too frequent to cause the disease. Based on the score and internal cut-off values, a variant classified as benign is not then subjected to further curation. The score for this variant resulted in a classification of benign for this disease.